The following is an entry in ClinVar:

ClinVar aggregate classification (germline): Conflicting classifications of pathogenicity. Review status: criteria provided, conflicting classifications (1 of 4 stars). 5 submissions from 5 submitters: Uncertain significance (3); Likely benign (1). 1 of the submissions does not count toward it. Last evaluated 2025-07-30.

Conditions:
Hereditary cancer-predisposing syndrome. Also called: Tumor predisposition; Hereditary neoplastic syndrome; Neoplastic Syndromes, Hereditary; Hereditary Cancer Syndrome. Identifiers: Orphanet 140162, MedGen C0027672, MeSH D009386, MONDO:0015356.
Hereditary breast ovarian cancer syndrome. Also called: Hereditary breast and ovarian cancer; Breast and ovarian cancer; Hereditary breast and ovarian cancer syndrome (HBOC); Hereditary breast and/or ovarian cancer syndrome; Hereditary breast and ovarian cancer syndrome; BRCA1- and BRCA2-Associated Hereditary Breast and Ovarian Cancer. Identifiers: Orphanet 145, MedGen C0677776, MeSH D061325, MONDO:0003582. Disease mechanism: loss of function.

Allele frequency attached by ClinVar (database versions not stated): gnomAD exomes below 0.00001.

Submissions (5):

Labcorp Genetics (formerly Invitae), Labcorp
Classification: Uncertain significance for Hereditary breast ovarian cancer syndrome. Last evaluated: 2025-07-30. Review status: criteria provided, single submitter. Criteria: Invitae Variant Classification Sherloc (09022015). Collection method: clinical testing. Allele origin: germline.
Comment: This sequence change replaces glycine, which is neutral and non-polar, with serine, which is neutral and polar, at codon 263 of the BRCA1 protein (p.Gly263Ser). This variant is present in population databases (rs397509318, gnomAD 0.003%). This variant has not been reported in the literature in individuals affected with BRCA1-related conditions. ClinVar contains an entry for this variant (Variation ID: 133725). Invitae Evidence Modeling of protein sequence and biophysical properties (such as structural, functional, and spatial information, amino acid conservation, physicochemical variation, residue mobility, and thermodynamic stability) indicates that this missense variant is not expected to disrupt BRCA1 protein function with a negative predictive value of 80%. In summary, the available evidence is currently insufficient to determine the role of this variant in disease. Therefore, it has been classified as a Variant of Uncertain Significance.

Ambry Genetics
Classification: Uncertain significance for Hereditary cancer-predisposing syndrome. Last evaluated: 2025-02-21. Review status: criteria provided, single submitter. Criteria: Ambry Variant Classification Scheme 2023. Collection method: clinical testing. Allele origin: germline.
Comment: The p.G263S variant (also known as c.787G>A), located in coding exon 9 of the BRCA1 gene, results from a G to A substitution at nucleotide position 787. The glycine at codon 263 is replaced by serine, an amino acid with similar properties. This variant was identified in a cohort of 681 ancestrally diverse, healthy subjects (Bodian DL et al. PLoS One. 2014 Apr 11;9(4):e94554). This amino acid position is well conserved in available vertebrate species. In addition, the in silico prediction for this alteration is inconclusive. Since supporting evidence is limited at this time, the clinical significance of this alteration remains unclear.

Women's Health and Genetics/Laboratory Corporation of America, LabCorp
Classification: Uncertain significance. Last evaluated: 2024-11-12. Review status: criteria provided, single submitter. Criteria: LabCorp Variant Classification Summary - May 2015. Collection method: clinical testing. Allele origin: germline.
Comment: Variant summary: BRCA1 c.787G>A (p.Gly263Ser) results in a non-conservative amino acid change in the encoded protein sequence. Four of five in-silico tools predict a benign effect of the variant on protein function. The variant allele was found at a frequency of 4e-06 in 249270 control chromosomes (gnomAD). The available data on variant occurrences in the general population are insufficient to allow any conclusion about variant significance. To our knowledge, no occurrence of c.787G>A in individuals affected with Hereditary Breast And Ovarian Cancer Syndrome and no experimental evidence demonstrating its impact on protein function have been reported. ClinVar contains an entry for this variant (Variation ID: 133725). Based on the evidence outlined above, the variant was classified as uncertain significance.

University of Washington Department of Laboratory Medicine, University of Washington
Classification: Likely benign for Hereditary cancer-predisposing syndrome. Last evaluated: 2023-03-23. Review status: criteria provided, single submitter. Criteria: Dines et al. (Genet Med. 2020). Collection method: curation. Allele origin: germline.
Comment: Missense variant in a coldspot region where missense variants are very unlikely to be pathogenic (PMID:31911673).

BRCA1 coldspot (exon 11 using historical exon numbering). Reclassification based on statistical prior probability

ITMI
No classification provided. Condition: AllHighlyPenetrant. Last evaluated: 2013-09-19. Review status: no classification provided. Collection method: reference population. Allele origin: germline. Not counted in ClinVar's aggregate classification.
Comment: Please see associated publication for description of ethnicities

Literature cited by the submitters: PubMed 24728327 (cited by ITMI).

NM_007294.4(BRCA1):c.787G>A (p.Gly263Ser)

Gene: BRCA1 (BRCA1 DNA repair associated; minus strand). Cytogenetic location: 17q21.31.
Variant type: single nucleotide variant.
Coding change: c.787G>A on transcript NM_007294.4 (MANE Select); coding-DNA position 787, G replaced by A.
Protein change: p.Gly263Ser; replaces glycine 263 with serine.
Molecular consequence: missense variant. On other transcripts: non-coding transcript variant (1).
Genome position (GRCh38, 1-based): chr17:43,094,744, C>T on the plus strand (G>A on the coding strand, the complement: BRCA1 is on the minus strand). VCF-style: chr17-43094744-C-T. GRCh37 (hg19) VCF-style: chr17-41246761-C-T.
Other names: c.646G>A, p.Gly216Ser (NM_001407731.1, NM_001408410.1, NM_001407732.1 and 43 more transcripts); c.787G>A, p.Gly263Ser (NM_001408406.1, NM_001407616.1, NM_001407617.1 and 52 more transcripts); c.784G>A, p.Gly262Ser (NM_001408407.1, NM_001407627.1, NM_001407628.1 and 38 more transcripts); c.778G>A, p.Gly260Ser (NM_001408408.1, NM_001407646.1, NM_001407647.1); c.706G>A, p.Gly236Ser (NM_001408413.1, NM_001407659.1, NM_001407660.1 and 3 more transcripts); c.709G>A, p.Gly237Ser (NM_001408409.1, NM_001408411.1, NM_001408414.1 and 9 more transcripts); c.664G>A, p.Gly222Ser (NM_001407648.1, NM_001407664.1, NM_001407665.1 and 34 more transcripts); c.661G>A, p.Gly221Ser (NM_001407649.1, NM_001407670.1, NM_001407671.1 and 20 more transcripts); and 15 more; short protein forms G263S, G216S, D263N, G135S, G175S, G221S, G236S, G95S.
Identifiers: ClinVar variation 133725 (VCV000133725.16), dbSNP rs397509318, ClinGen allele CA003868.